The following is an entry in ClinVar:

NC_000007.14:g.(75058300_?)_(?_79083658)del

Genes: CCDC146 (coiled-coil domain containing 146; plus strand), CCL24 (C-C motif chemokine ligand 24; minus strand), APTR (Alu-mediated CDKN1A/p21 transcriptional regulator; minus strand), CCL26 (C-C motif chemokine ligand 26; minus strand), DDX3ILA1 (DDX3 interacting lncRNA 1; plus strand) and 123 more. Cytogenetic location: 7q11.23-21.11.
Variant type: Deletion.
Identifiers: ClinVar variation 1342322 (VCV001342322.2).

ClinVar aggregate classification (germline): Pathogenic (1 of 4 stars; one submission).

Conditions:
Distal 7q11.23 microdeletion syndrome. Also called: Chromosome 7q11.23 deletion syndrome, distal, 1.2-mb; DISTAL CHROMOSOME 7q11.23 DELETION SYNDROME. Identifiers: Orphanet 254351, MedGen C3150999, MONDO:0013393, OMIM 613729.

Submission:

New York Genome Center
Classification: Pathogenic for Distal 7q11.23 microdeletion syndrome. Last evaluated: 2021-03-12. Review status: criteria provided, single submitter. Criteria: NYGC Assertion Criteria 2020. Collection method: clinical testing. Allele origin: inherited. Affected: yes. Observed: 1 variant allele. Study: CSER-NYCKidSeq. Segregation with disease observed.
Comment: This deletion is distal to Williams-Beuren syndrome (WBS). Recurrent deletions distal to WBS region have been reported in the literature and are associated with the distal chromosome 7q11.23 deletion syndrome [MIM: 613729]. This syndrome is a rare condition that has been associated with an increased risk for epilepsy, learning difficulties, intellectual disabilities, and/or neurobehavioral abnormalities [PMIDs:21109226, 21841781, 23756441]. Clinical features can be variable; in a study of 26 individuals from ten unrelated families with distal 7q11.23 deletion, clinical features included epilepsy (80% of probands), severe global developmental delay and/or on the autistic spectrum (58%) mild intellectual disability (17%), learning disabilities (17%) and developmentally normal (8%) [PMID:21109226]. In this study, 50% of the adults with 7q11.23 deletion had no cognitive difficulties or history of neuropsychiatric disease indicating incomplete penetrance [PMID:21109226]. Based on the available evidence, the inherited 3.7Mb deletion on 7q11.23-q21.11 is reported as Pathogenic.